The following is an entry in ClinVar:

ClinVar aggregate classification (germline): Conflicting classifications of pathogenicity. Review status: criteria provided, conflicting classifications (1 of 4 stars). 5 submissions from 4 submitters: Uncertain significance (1); Likely benign (4). Last evaluated 2026-01-18.

Conditions:
Hereditary cancer-predisposing syndrome. Also called: Tumor predisposition; Hereditary Cancer Syndrome; Hereditary neoplastic syndrome; Neoplastic Syndromes, Hereditary. Identifiers: Orphanet 140162, MedGen C0027672, MeSH D009386, MONDO:0015356.
Holoprosencephaly 7 (HPE7). Identifiers: Orphanet 2162, MedGen C1835820, MONDO:0012562, OMIM 610828.
Gorlin syndrome. Also called: Basal cell nevus syndrome; Nevoid Basal Cell Carcinoma Syndrome. Identifiers: Orphanet 377, MedGen C0004779, MONDO:0007187.

Allele frequency attached by ClinVar (database versions not stated): gnomAD 0.00001; TOPMed 0.00001; gnomAD exomes 0.00002; ExAC 0.00003.
gnomAD v4.1: 17 of 1,613,494 alleles (0.0011%); highest among the groups gnomAD compares: African/African-American, 0.0027%; no homozygotes.

Submissions (5):

Labcorp Genetics (formerly Invitae), Labcorp
Classification: Likely benign for Gorlin syndrome. Last evaluated: 2026-01-18. Review status: criteria provided, single submitter. Criteria: Invitae Variant Classification Sherloc (09022015). Collection method: clinical testing. Allele origin: germline.

CeGaT Center for Human Genetics Tuebingen
Classification: Likely benign. Last evaluated: 2022-04-01. Review status: criteria provided, single submitter. Criteria: CeGaT Center For Human Genetics Tuebingen Variant Classification Criteria Version 2. Collection method: clinical testing. Allele origin: germline. Affected: yes. Observed: 1 variant allele.
Comment: PTCH1: BP4, BP7

Illumina Laboratory Services, Illumina
Classification: Likely benign for Basal cell nevus syndrome 1. Last evaluated: 2018-01-13. Review status: criteria provided, single submitter. Criteria: ICSL Variant Classification Criteria 13 December 2019. Collection method: clinical testing. Allele origin: germline.
Comment: This variant was observed in the ICSL laboratory as part of a predisposition screen in an ostensibly healthy population. It had not been previously curated by ICSL or reported in the Human Gene Mutation Database (HGMD: prior to June 1st, 2018), and was therefore a candidate for classification through an automated scoring system. Utilizing variant allele frequency, disease prevalence and penetrance estimates, and inheritance mode, an automated score was calculated to assess if this variant is too frequent to cause the disease. Based on the score and internal cut-off values, a variant classified as likely benign is not then subjected to further curation. The score for this variant resulted in a classification of likely benign for this disease.

Illumina Laboratory Services, Illumina
Classification: Uncertain significance for Holoprosencephaly 7. Last evaluated: 2018-01-13. Review status: criteria provided, single submitter. Criteria: ICSL Variant Classification Criteria 13 December 2019. Collection method: clinical testing. Allele origin: germline.

Ambry Genetics
Classification: Likely benign for Hereditary cancer-predisposing syndrome. Last evaluated: 2017-11-10. Review status: criteria provided, single submitter. Criteria: Ambry Variant Classification Scheme 2023. Collection method: clinical testing. Allele origin: germline.

NM_000264.5(PTCH1):c.4152G>A (p.Pro1384=)

Gene: PTCH1 (patched 1; minus strand). Cytogenetic location: 9q22.32.
Variant type: single nucleotide variant.
Coding change: c.4152G>A on transcript NM_000264.5 (MANE Select); coding-DNA position 4152, G replaced by A.
Protein change: p.Pro1384=; no amino-acid change (proline 1384 retained).
Molecular consequence: synonymous variant. On other transcripts: non-coding transcript variant (1).
Genome position (GRCh38, 1-based): chr9:95,447,104, C>T on the plus strand (G>A on the coding strand, the complement: PTCH1 is on the minus strand). VCF-style: chr9-95447104-C-T. GRCh37 (hg19) VCF-style: chr9-98209386-C-T.
Other names: c.3954G>A, p.Pro1318= (NM_001083602.3); c.4149G>A, p.Pro1383= (NM_001083603.3); c.3699G>A, p.Pro1233= (NM_001083604.3, NM_001083605.3, NM_001083606.3 and 1 more transcripts); c.3996G>A, p.Pro1332= (NM_001354918.2).
Identifiers: ClinVar variation 367663 (VCV000367663.43), dbSNP rs761887390, ClinGen allele CA5137938.